The following is an entry in ClinVar:

ClinVar aggregate classification (germline): Uncertain significance (1 of 4 stars; one submission).

Submission:

GeneDx
Classification: Uncertain significance. Last evaluated: 2024-01-25. Review status: criteria provided, single submitter. Criteria: GeneDx Variant Classification Process June 2021. Collection method: clinical testing. Allele origin: germline. Affected: yes.
Comment: Not observed at significant frequency in large population cohorts (gnomAD); In silico analysis supports that this missense variant does not alter protein structure/function; Has not been previously published as pathogenic or benign to our knowledge

NM_014927.5(CNKSR2):c.2980C>T (p.Leu994Phe)

Gene: CNKSR2 (connector enhancer of kinase suppressor of Ras 2; plus strand). Cytogenetic location: Xp22.12.
Variant type: single nucleotide variant.
Coding change: c.2980C>T on transcript NM_014927.5 (MANE Select); coding-DNA position 2980, C replaced by T.
Protein change: p.Leu994Phe; replaces leucine 994 with phenylalanine.
Molecular consequence: missense variant.
Genome position (GRCh38, 1-based): chrX:21,652,396, C>T. VCF-style: chrX-21652396-C-T. GRCh37 (hg19) VCF-style: chrX-21670514-C-T.
Other names: c.2890C>T, p.Leu964Phe (NM_001168647.3); c.2833C>T, p.Leu945Phe (NM_001330770.2); c.2743C>T, p.Leu915Phe (NM_001330772.2); short protein forms L915F, L945F, L964F, L994F.
Identifiers: ClinVar variation 3367607 (VCV003367607.1).
Genomic context (GRCh38, chrX:21,652,396, plus strand): 5'-AAAGTCCTAGACAATCCAGACTTGACATCTAAAGAATTCCAACAATGGAAGCAGATGTAC[C>T]TCGACCTTTTCTTGGATATCTGTCAAAATACCACCTCAAATGACCCACTGAGTATTTCTT-3'
Protein context (NP_055742.2, residues 984-1004): KEFQQWKQMY[Leu994Phe]DLFLDICQNT